The following is an entry in ClinVar:

ClinVar aggregate classification (germline): Conflicting classifications of pathogenicity. Review status: criteria provided, conflicting classifications (1 of 4 stars). 3 submissions from 3 submitters: Uncertain significance (1); Likely benign (1). 1 of the submissions does not count toward it. Last evaluated 2025-11-22.

Conditions:
Norman-Roberts syndrome (LIS2). Also called: Lissencephaly 2 (Norman-Roberts type). Identifiers: Orphanet 89844, MedGen C0796089, MONDO:0009760, OMIM 257320.
RELN-related disorder. Also called: RELN-related condition.
Familial temporal lobe epilepsy 7. Identifiers: Orphanet 101046, MedGen C4225327, MONDO:0014639, OMIM 616436.

Allele frequency attached by ClinVar (database versions not stated): gnomAD 0.00003; TOPMed 0.00011; ESP Exome Variant Server 0.00023.
gnomAD v4.1: 143 of 1,614,042 alleles (0.0089%); highest among the groups gnomAD compares: Admixed American, 0.0083%; no homozygotes.

Submissions (3):

Labcorp Genetics (formerly Invitae), Labcorp
Classification: Likely benign for Familial temporal lobe epilepsy 7; Norman-Roberts syndrome. Last evaluated: 2025-11-22. Review status: criteria provided, single submitter. Criteria: Invitae Variant Classification Sherloc (09022015). Collection method: clinical testing. Allele origin: germline.

Illumina Laboratory Services, Illumina
Classification: Uncertain significance for Norman-Roberts syndrome. Last evaluated: 2018-01-12. Review status: criteria provided, single submitter. Criteria: ICSL Variant Classification Criteria 13 December 2019. Collection method: clinical testing. Allele origin: germline.

PreventionGenetics, part of Exact Sciences
Classification: Likely benign for RELN-related condition. Last evaluated: 2024-03-30. Review status: no assertion criteria provided. Collection method: clinical testing. Allele origin: germline. Not counted in ClinVar's aggregate classification.
Comment: This variant is classified as likely benign based on ACMG/AMP sequence variant interpretation guidelines (Richards et al. 2015 PMID: 25741868, with internal and published modifications).

NM_005045.4(RELN):c.4434C>G (p.Asn1478Lys)

Gene: RELN (reelin; minus strand). Cytogenetic location: 7q22.1.
Variant type: single nucleotide variant.
Coding change: c.4434C>G on transcript NM_005045.4 (MANE Select); coding-DNA position 4434, C replaced by G.
Protein change: p.Asn1478Lys; replaces asparagine 1478 with lysine.
Molecular consequence: missense variant.
Genome position (GRCh38, 1-based): chr7:103,574,169, G>C on the plus strand (C>G on the coding strand, the complement: RELN is on the minus strand). VCF-style: chr7-103574169-G-C. GRCh37 (hg19) VCF-style: chr7-103214616-G-C.
Other names: c.4434C>G, p.Asn1478Lys (NM_173054.3); short protein forms N1478K.
Identifiers: ClinVar variation 358403 (VCV000358403.16), dbSNP rs375118721, ClinGen allele CA4421524.